The following is an entry in ClinVar:

NM_000238.4(KCNH2):c.2650C>T (p.Gln884Ter)

Gene: KCNH2 (potassium voltage-gated channel subfamily H member 2; minus strand). Cytogenetic location: 7q36.1.
Variant type: single nucleotide variant.
Coding change: c.2650C>T on transcript NM_000238.4 (MANE Select); coding-DNA position 2650, C replaced by T.
Protein change: p.Gln884Ter; replaces glutamine 884 with a stop codon.
Molecular consequence: nonsense. On other transcripts: non-coding transcript variant (2).
Genome position (GRCh38, 1-based): chr7:150,948,486, G>A on the plus strand (C>T on the coding strand, the complement: KCNH2 is on the minus strand). VCF-style: chr7-150948486-G-A. GRCh37 (hg19) VCF-style: chr7-150645574-G-A.
Other names: c.2362C>T, p.Gln788Ter (NM_001406753.1); c.1630C>T, p.Gln544Ter (NM_172057.3); short protein forms Q544*, Q788*, Q884*.
Identifiers: ClinVar variation 3720786 (VCV003720786.2).

ClinVar aggregate classification (germline): Pathogenic (1 of 4 stars; one submission).

Conditions:
Long QT syndrome (LQTS). Identifiers: MedGen C0023976, MeSH D008133, MONDO:0002442. Disease mechanism: loss of function. Inheritance: Various modes of inheritance.

Submission:

Labcorp Genetics (formerly Invitae), Labcorp
Classification: Pathogenic for Long QT syndrome. Last evaluated: 2024-02-23. Review status: criteria provided, single submitter. Criteria: Invitae Variant Classification Sherloc (09022015). Collection method: clinical testing. Allele origin: germline.
Comment: This sequence change creates a premature translational stop signal (p.Gln884*) in the KCNH2 gene. It is expected to result in an absent or disrupted protein product. Loss-of-function variants in KCNH2 are known to be pathogenic (PMID: 10973849, 19862833). This variant is not present in population databases (gnomAD no frequency). This premature translational stop signal has been observed in individual(s) with long QT syndrome (PMID: 18752142). For these reasons, this variant has been classified as Pathogenic.

Literature cited by the submitters: PubMed 10973849; PubMed 19862833; PubMed 18752142.